The following is an entry in ClinVar:

NM_020738.4(KIDINS220):c.2999C>T (p.Thr1000Ile)

Gene: KIDINS220 (kinase D interacting substrate 220; minus strand). Cytogenetic location: 2p25.1.
Variant type: single nucleotide variant.
Coding change: c.2999C>T on transcript NM_020738.4 (MANE Select); coding-DNA position 2999, C replaced by T.
Protein change: p.Thr1000Ile; replaces threonine 1000 with isoleucine.
Molecular consequence: missense variant. On other transcripts: non-coding transcript variant (2).
Genome position (GRCh38, 1-based): chr2:8,770,682, G>A on the plus strand (C>T on the coding strand, the complement: KIDINS220 is on the minus strand). VCF-style: chr2-8770682-G-A. GRCh37 (hg19) VCF-style: chr2-8910812-G-A.
Other names: c.3002C>T, p.Thr1001Ile (NM_001348729.2, NM_001348731.2, NM_001348734.2 and 3 more transcripts); c.2999C>T, p.Thr1000Ile (NM_001348732.2, NM_001348735.2, NM_001348738.2 and 3 more transcripts); c.2873C>T, p.Thr958Ile (NM_001348736.2); c.2999C>T (NM_020738.2); short protein forms T1000I, T958I, T1001I.
Identifiers: ClinVar variation 2175737 (VCV002175737.7), dbSNP rs368903999, ClinGen allele CA1519835.

ClinVar aggregate classification (germline): Conflicting classifications of pathogenicity. Review status: criteria provided, conflicting classifications (1 of 4 stars). 3 submissions from 3 submitters: Uncertain significance (2); Likely benign (1). Last evaluated 2025-10-30.

Conditions:
Inborn genetic diseases. Identifiers: MedGen C0950123, MeSH D030342.
KIDINS220-related disorder. Also called: KIDINS220-related condition.

Allele frequency attached by ClinVar (database versions not stated): gnomAD exomes 0.00001; ExAC 0.00006; ESP Exome Variant Server 0.00008; TOPMed 0.00012; gnomAD 0.00016.
gnomAD v4.1: 43 of 1,597,026 alleles (0.0027%); highest among the groups gnomAD compares: African/African-American, 0.05%; no homozygotes.

Submissions (3):

PreventionGenetics, part of Exact Sciences
Classification: Uncertain significance for KIDINS220-related condition. Last evaluated: 2025-10-30. Review status: criteria provided, single submitter. Criteria: ACMG Guidelines, 2015. Collection method: clinical testing. Allele origin: germline.
Comment: The KIDINS220 c.2999C>T variant is predicted to result in the amino acid substitution p.Thr1000Ile. To our knowledge, this variant has not been reported in the literature. This variant is reported in 0.063% of alleles in individuals of African descent in gnomAD, which is likely too common for an undocumented disease-causing variant. Although we suspect that this variant may be benign, at this time, the clinical significance of this variant is uncertain due to the absence of conclusive functional and genetic evidence.

Labcorp Genetics (formerly Invitae), Labcorp
Classification: Uncertain significance. Last evaluated: 2025-10-12. Review status: criteria provided, single submitter. Criteria: Invitae Variant Classification Sherloc (09022015). Collection method: clinical testing. Allele origin: germline.
Comment: This sequence change replaces threonine, which is neutral and polar, with isoleucine, which is neutral and non-polar, at codon 1000 of the KIDINS220 protein (p.Thr1000Ile). This variant is present in population databases (rs368903999, gnomAD 0.06%). This variant has not been reported in the literature in individuals affected with KIDINS220-related conditions. ClinVar contains an entry for this variant (Variation ID: 2175737). An algorithm developed to predict the effect of missense changes on protein structure and function (PolyPhen-2) suggests that this variant is likely to be tolerated. In summary, the available evidence is currently insufficient to determine the role of this variant in disease. Therefore, it has been classified as a Variant of Uncertain Significance.

Ambry Genetics
Classification: Likely benign for Inborn genetic diseases. Last evaluated: 2022-06-09. Review status: criteria provided, single submitter. Criteria: Ambry Variant Classification Scheme 2023. Collection method: clinical testing. Allele origin: germline.